The following is an entry in ClinVar:

ClinVar aggregate classification (germline): Uncertain significance (1 of 4 stars; one submission).

Submission:

GeneDx
Classification: Uncertain significance. Last evaluated: 2025-04-17. Review status: criteria provided, single submitter. Criteria: GeneDx Variant Classification Process June 2021. Collection method: clinical testing. Allele origin: germline. Affected: yes.
Comment: Not observed at significant frequency in large population cohorts (gnomAD); Missense variants in this gene are a common cause of disease and they are underrepresented in the general population; In silico analysis supports that this missense variant has a deleterious effect on protein structure/function; Has not been previously published as pathogenic or benign to our knowledge

NM_001399.5(EDA):c.1034C>T (p.Thr345Ile)

Gene: EDA (ectodysplasin A; plus strand). Cytogenetic location: Xq13.1.
Variant type: single nucleotide variant.
Coding change: c.1034C>T on transcript NM_001399.5 (MANE Select); coding-DNA position 1034, C replaced by T.
Protein change: p.Thr345Ile; replaces threonine 345 with isoleucine.
Molecular consequence: missense variant.
Genome position (GRCh38, 1-based): chrX:70,035,467, C>T. VCF-style: chrX-70035467-C-T. GRCh37 (hg19) VCF-style: chrX-69255317-C-T.
Other names: c.992C>T, p.Thr331Ile (NM_001440762.1); c.1028C>T, p.Thr343Ile (NM_001005609.2); c.1019C>T, p.Thr340Ile (NM_001005612.3); c.1025C>T, p.Thr342Ile (NM_001440761.1); short protein forms T331I, T340I, T342I, T343I, T345I.
Identifiers: ClinVar variation 4527166 (VCV004527166.1).